The following is an entry in ClinVar:

ClinVar aggregate classification (germline): Uncertain significance. Review status: criteria provided, multiple submitters, no conflicts (2 of 4 stars). 2 submissions from 2 submitters: Uncertain significance (2). Last evaluated 2022-02-24.

Conditions:
Retinitis pigmentosa 12 (RP12). Also called: RP WITH OR WITHOUT PRESERVED PARAARTERIOLE RETINAL PIGMENT EPITHELIUM; RETINITIS PIGMENTOSA WITH OR WITHOUT PARAARTERIOLAR PRESERVATION OF RETINAL PIGMENT EPITHELIUM; RP WITH OR WITHOUT PPRPE. Identifiers: Orphanet 791, MedGen C1838647, MONDO:0010818, OMIM 600105.
Leber congenital amaurosis 8 (LCA8). Identifiers: Orphanet 65, MedGen C3151202, MONDO:0013453, OMIM 613835.

Submissions (2):

Labcorp Genetics (formerly Invitae), Labcorp
Classification: Uncertain significance for Leber congenital amaurosis 8; Retinitis pigmentosa 12. Last evaluated: 2022-02-24. Review status: criteria provided, single submitter. Criteria: Invitae Variant Classification Sherloc (09022015). Collection method: clinical testing. Allele origin: germline.
Comment: This missense change has been observed in individual(s) with Leber congenital amaurosis (PMID: 26047050). Algorithms developed to predict the effect of missense changes on protein structure and function are either unavailable or do not agree on the potential impact of this missense change (SIFT: "Deleterious"; PolyPhen-2: "Possibly Damaging"; Align-GVGD: "Class C15"). Algorithms developed to predict the effect of sequence changes on RNA splicing suggest that this variant may create or strengthen a splice site. In summary, the available evidence is currently insufficient to determine the role of this variant in disease. Therefore, it has been classified as a Variant of Uncertain Significance. This variant is not present in population databases (gnomAD no frequency). This sequence change replaces threonine, which is neutral and polar, with arginine, which is basic and polar, at codon 821 of the CRB1 protein (p.Thr821Arg).

Blueprint Genetics
Classification: Uncertain significance. Last evaluated: 2019-11-04. Review status: criteria provided, single submitter. Criteria: ACMG Guidelines, 2015. Collection method: clinical testing. Allele origin: germline.

Literature cited by the submitters: PubMed 26047050 (cited by Labcorp Genetics (formerly Invitae), Labcorp).

NM_201253.3(CRB1):c.2462C>G (p.Thr821Arg)

Gene: CRB1 (crumbs cell polarity complex component 1; plus strand). Cytogenetic location: 1q31.3.
Variant type: single nucleotide variant.
Coding change: c.2462C>G on transcript NM_201253.3 (MANE Select); coding-DNA position 2462, C replaced by G.
Protein change: p.Thr821Arg; replaces threonine 821 with arginine.
Molecular consequence: missense variant. On other transcripts: non-coding transcript variant (2), intron variant (1).
Genome position (GRCh38, 1-based): chr1:197,427,787, C>G. VCF-style: chr1-197427787-C-G. GRCh37 (hg19) VCF-style: chr1-197396917-C-G.
Other names: c.2126C>G, p.Thr709Arg (NM_001193640.2); c.2255C>G, p.Thr752Arg (NM_001257965.2); c.2128+5831C>G (NM_001257966.2); short protein forms T821R, T709R, T752R.
Identifiers: ClinVar variation 1481881 (VCV001481881.9), dbSNP rs142857810, ClinGen allele CA344037518.